The following is an entry in ClinVar:

ClinVar aggregate classification (germline): Uncertain significance (1 of 4 stars; one submission).

Conditions:
Hereditary spastic paraplegia 11. Also called: SPASTIC PARAPLEGIA, AUTOSOMAL RECESSIVE, COMPLICATED, WITH THIN CORPUS CALLOSUM; SPASTIC PARAPLEGIA, AUTOSOMAL RECESSIVE, WITH MENTAL IMPAIRMENT AND THIN CORPUS CALLOSUM; Spastic paraplegia, mental retardation and thin corpus callosum; Nakamura Osame syndrome; Autosomal recessive hereditary spastic paraplegia, mental impairment, and thin corpus callosum; Spastic Paraplegia 11. Identifiers: Orphanet 2822, MedGen C1858479, MONDO:0011445, OMIM 604360.

Submission:

Labcorp Genetics (formerly Invitae), Labcorp
Classification: Uncertain significance for Hereditary spastic paraplegia 11. Last evaluated: 2018-11-16. Review status: criteria provided, single submitter. Criteria: Invitae Variant Classification Sherloc (09022015). Collection method: clinical testing. Allele origin: germline.
Comment: In summary, the available evidence is currently insufficient to determine the role of this variant in disease. Therefore, it has been classified as a Variant of Uncertain Significance. Algorithms developed to predict the effect of missense changes on protein structure and function (SIFT, PolyPhen-2, Align-GVGD) all suggest that this variant is likely to be tolerated, but these predictions have not been confirmed by published functional studies and their clinical significance is uncertain. This variant has not been reported in the literature in individuals with SPG11-related disease. This variant is not present in population databases (ExAC no frequency). This sequence change replaces valine with glutamic acid at codon 1602 of the SPG11 protein (p.Val1602Glu). The valine residue is moderately conserved and there is a moderate physicochemical difference between valine and glutamic acid.

NM_025137.4(SPG11):c.4805T>A (p.Val1602Glu)

Gene: SPG11 (SPG11 vesicle trafficking associated, spatacsin; minus strand). Cytogenetic location: 15q21.1.
Variant type: single nucleotide variant.
Coding change: c.4805T>A on transcript NM_025137.4 (MANE Select); coding-DNA position 4805, T replaced by A.
Protein change: p.Val1602Glu; replaces valine 1602 with glutamic acid.
Molecular consequence: missense variant.
Genome position (GRCh38, 1-based): chr15:44,589,353, A>T on the plus strand (T>A on the coding strand, the complement: SPG11 is on the minus strand). VCF-style: chr15-44589353-A-T. GRCh37 (hg19) VCF-style: chr15-44881551-A-T.
Other names: c.4805T>A, p.Val1602Glu (NM_001160227.2); short protein forms V1602E.
Identifiers: ClinVar variation 653638 (VCV000653638.8), dbSNP rs1452836790, ClinGen allele CA392224341.